The following is an entry in ClinVar:

ClinVar aggregate classification (germline): Uncertain significance (1 of 4 stars; one submission).

gnomAD v4.1: 2 of 1,613,732 alleles (0.00012%); highest among the groups gnomAD compares: Non-Finnish European, 0.00017%; no homozygotes.

Submission:

GeneDx
Classification: Uncertain significance. Last evaluated: 2024-07-21. Review status: criteria provided, single submitter. Criteria: GeneDx Variant Classification Process June 2021. Collection method: clinical testing. Allele origin: germline. Affected: yes.
Comment: Not observed at significant frequency in large population cohorts (gnomAD); In silico analysis supports that this missense variant has a deleterious effect on protein structure/function; Has not been previously published as pathogenic or benign to our knowledge

NM_138615.3(DHX30):c.2320G>A (p.Ala774Thr)

Gene: DHX30 (DExH-box helicase 30; plus strand). Cytogenetic location: 3p21.31.
Variant type: single nucleotide variant.
Coding change: c.2320G>A on transcript NM_138615.3 (MANE Select); coding-DNA position 2320, G replaced by A.
Protein change: p.Ala774Thr; replaces alanine 774 with threonine.
Molecular consequence: missense variant.
Genome position (GRCh38, 1-based): chr3:47,848,213, G>A. VCF-style: chr3-47848213-G-A. GRCh37 (hg19) VCF-style: chr3-47889703-G-A.
Other names: c.2236G>A, p.Ala746Thr (NM_001330990.2); c.2203G>A, p.Ala735Thr (NM_014966.4); short protein forms A735T, A746T, A774T.
Identifiers: ClinVar variation 3600799 (VCV003600799.1).